The following is an entry in ClinVar:

ClinVar aggregate classification (germline): Uncertain significance (1 of 4 stars; one submission).

Conditions:
Inborn genetic diseases. Identifiers: MedGen C0950123, MeSH D030342.

Submission:

Ambry Genetics
Classification: Uncertain significance for Inborn genetic diseases. Last evaluated: 2025-02-22. Review status: criteria provided, single submitter. Criteria: Ambry Variant Classification Scheme 2023. Collection method: clinical testing. Allele origin: germline.
Comment: The p.A492T variant (also known as c.1474G>A), located in coding exon 14 of the DDX41 gene, results from a G to A substitution at nucleotide position 1474. The alanine at codon 492 is replaced by threonine, an amino acid with similar properties. This amino acid position is conserved. In addition, this alteration is predicted to be deleterious by in silico analysis. Based on the available evidence, the clinical significance of this variant remains unclear.

NM_016222.4(DDX41):c.1474G>A (p.Ala492Thr)

Gene: DDX41 (DEAD-box helicase 41; minus strand). Cytogenetic location: 5q35.3.
Variant type: single nucleotide variant.
Coding change: c.1474G>A on transcript NM_016222.4 (MANE Select); coding-DNA position 1474, G replaced by A.
Protein change: p.Ala492Thr; replaces alanine 492 with threonine.
Molecular consequence: missense variant.
Genome position (GRCh38, 1-based): chr5:177,512,571, C>T on the plus strand (G>A on the coding strand, the complement: DDX41 is on the minus strand). VCF-style: chr5-177512571-C-T. GRCh37 (hg19) VCF-style: chr5-176939572-C-T.
Other names: c.1096G>A, p.Ala366Thr (NM_001321732.2, NM_001321830.2); short protein forms A366T, A492T.
Identifiers: ClinVar variation 3839053 (VCV003839053.1).